The following is an entry in ClinVar:

ClinVar aggregate classification (germline): Uncertain significance (1 of 4 stars; one submission).

Submission:

GeneDx
Classification: Uncertain significance. Last evaluated: 2024-11-15. Review status: criteria provided, single submitter. Criteria: GeneDx Variant Classification Process June 2021. Collection method: clinical testing. Allele origin: germline. Affected: yes.
Comment: In silico analysis indicates that this missense variant does not alter protein structure/function; Not observed at significant frequency in large population cohorts (gnomAD); This variant is associated with the following publications: (PMID: 31069529)

NM_000489.6(ATRX):c.2095G>C (p.Asp699His)

Gene: ATRX (ATRX chromatin remodeler; minus strand). Cytogenetic location: Xq21.1.
Variant type: single nucleotide variant.
Coding change: c.2095G>C on transcript NM_000489.6 (MANE Select); coding-DNA position 2095, G replaced by C.
Protein change: p.Asp699His; replaces aspartic acid 699 with histidine.
Molecular consequence: missense variant.
Genome position (GRCh38, 1-based): chrX:77,683,161, C>G on the plus strand (G>C on the coding strand, the complement: ATRX is on the minus strand). VCF-style: chrX-77683161-C-G. GRCh37 (hg19) VCF-style: chrX-76938653-C-G.
Other names: c.1981G>C, p.Asp661His (NM_138270.5); short protein forms D661H, D699H.
Identifiers: ClinVar variation 3899511 (VCV003899511.1).